The following is an entry in ClinVar:

ClinVar aggregate classification (germline): Uncertain significance. Review status: criteria provided, multiple submitters, no conflicts (2 of 4 stars). 3 submissions from 3 submitters: Uncertain significance (3). Last evaluated 2025-11-02.

Conditions:
Hereditary cancer-predisposing syndrome. Also called: Neoplastic Syndromes, Hereditary; Hereditary Cancer Syndrome; Tumor predisposition; Hereditary neoplastic syndrome. Identifiers: Orphanet 140162, MedGen C0027672, MeSH D009386, MONDO:0015356.
Neurofibromatosis, type 2 (SWNV). Also called: BILATERAL ACOUSTIC NEUROFIBROMATOSIS; NF2-Related Schwannomatosis; SCHWANNOMATOSIS, VESTIBULAR. Identifiers: Orphanet 637, MedGen C0027832, MONDO:0007039, OMIM 101000. Disease mechanism: loss of function.
Familial meningioma. Also called: Meningioma, familial, susceptibility to. Identifiers: Orphanet 263662, MedGen C3551915, MONDO:0011789, OMIM 607174.

Allele frequency attached by ClinVar (database versions not stated): gnomAD exomes 0.00001.
gnomAD v4.1: 6 of 1,614,058 alleles (0.00037%); highest among the groups gnomAD compares: Non-Finnish European, 0.00051%; no homozygotes.

Submissions (3):

Ambry Genetics
Classification: Uncertain significance for Hereditary cancer-predisposing syndrome. Last evaluated: 2025-11-02. Review status: criteria provided, single submitter. Criteria: Ambry Variant Classification Scheme 2023. Collection method: clinical testing. Allele origin: germline.
Comment: The p.I224V variant (also known as c.670A>G), located in coding exon 7 of the NF2 gene, results from an A to G substitution at nucleotide position 670. The isoleucine at codon 224 is replaced by valine, an amino acid with highly similar properties. This amino acid position is conserved. In addition, the in silico prediction for this alteration is inconclusive. Since supporting evidence is limited at this time, the clinical significance of this alteration remains unclear.

Labcorp Genetics (formerly Invitae), Labcorp
Classification: Uncertain significance for Neurofibromatosis, type 2. Last evaluated: 2025-10-18. Review status: criteria provided, single submitter. Criteria: Invitae Variant Classification Sherloc (09022015). Collection method: clinical testing. Allele origin: germline.
Comment: This sequence change replaces isoleucine, which is neutral and non-polar, with valine, which is neutral and non-polar, at codon 224 of the NF2 protein (p.Ile224Val). This variant is not present in population databases (gnomAD no frequency). This variant has not been reported in the literature in individuals affected with NF2-related conditions. ClinVar contains an entry for this variant (Variation ID: 639228). Invitae Evidence Modeling of protein sequence and biophysical properties (such as structural, functional, and spatial information, amino acid conservation, physicochemical variation, residue mobility, and thermodynamic stability) indicates that this missense variant is expected to disrupt NF2 protein function with a positive predictive value of 80%. RNA analysis performed to evaluate the impact of this missense change on mRNA splicing indicates it does not significantly alter splicing (internal data). In summary, the available evidence is currently insufficient to determine the role of this variant in disease. Therefore, it has been classified as a Variant of Uncertain Significance.

Baylor Genetics
Classification: Uncertain significance for Familial meningioma. Last evaluated: 2023-07-04. Review status: criteria provided, single submitter. Criteria: ACMG Guidelines, 2015. Collection method: clinical testing. Allele origin: unknown.

NM_000268.4(NF2):c.670A>G (p.Ile224Val)

Gene: NF2 (NF2, moesin-ezrin-radixin like (MERLIN) tumor suppressor; plus strand). Cytogenetic location: 22q12.2.
Variant type: single nucleotide variant.
Coding change: c.670A>G on transcript NM_000268.4 (MANE Select); coding-DNA position 670, A replaced by G.
Protein change: p.Ile224Val; replaces isoleucine 224 with valine.
Molecular consequence: missense variant. On other transcripts: non-coding transcript variant (1), intron variant (1).
Genome position (GRCh38, 1-based): chr22:29,658,259, A>G. VCF-style: chr22-29658259-A-G. GRCh37 (hg19) VCF-style: chr22-30054248-A-G.
Other names: c.670A>G, p.Ile224Val (NM_016418.5, NM_181825.3, NM_181832.3); c.544A>G, p.Ile182Val (NM_181828.3); c.547A>G, p.Ile183Val (NM_181829.3); c.421A>G, p.Ile141Val (NM_181830.3, NM_181831.3); c.447+15974A>G (NM_181833.3); short protein forms I224V, I183V, I141V, I182V.
Identifiers: ClinVar variation 639228 (VCV000639228.13), dbSNP rs1555994825, ClinGen allele CA411143127.
Genomic context (GRCh38, chr22:29,658,259, plus strand): 5'-GAAATGGAATATCTGAAGATAGCTCAGGACCTGGAGATGTACGGTGTGAACTACTTTGCA[A>G]TCCGGGTGTGTTGAAACCTCTCTGAGCTCCTTGTGTAGTAGACAGAGACTGAGTGAGGGC-3'
Protein context (NP_000259.1, residues 214-234): LEMYGVNYFA[Ile224Val]RNKKGTELLL